The following is an entry in ClinVar:

ClinVar aggregate classification (germline): Uncertain significance (1 of 4 stars; one submission).

Allele frequency attached by ClinVar (database versions not stated): gnomAD exomes below 0.00001.

Submission:

Labcorp Genetics (formerly Invitae), Labcorp
Classification: Uncertain significance. Last evaluated: 2023-10-13. Review status: criteria provided, single submitter. Criteria: Invitae Variant Classification Sherloc (09022015). Collection method: clinical testing. Allele origin: germline.
Comment: This sequence change replaces leucine, which is neutral and non-polar, with phenylalanine, which is neutral and non-polar, at codon 1049 of the ARHGEF10 protein (p.Leu1049Phe). This variant is not present in population databases (gnomAD no frequency). This variant has not been reported in the literature in individuals affected with ARHGEF10-related conditions. Advanced modeling of protein sequence and biophysical properties (such as structural, functional, and spatial information, amino acid conservation, physicochemical variation, residue mobility, and thermodynamic stability) performed at Invitae indicates that this missense variant is not expected to disrupt ARHGEF10 protein function. In summary, the available evidence is currently insufficient to determine the role of this variant in disease. Therefore, it has been classified as a Variant of Uncertain Significance.

NM_014629.4(ARHGEF10):c.3145C>T (p.Leu1049Phe)

Gene: ARHGEF10 (Rho guanine nucleotide exchange factor 10; plus strand). Cytogenetic location: 8p23.3.
Variant type: single nucleotide variant.
Coding change: c.3145C>T on transcript NM_014629.4 (MANE Select); coding-DNA position 3145, C replaced by T.
Protein change: p.Leu1049Phe; replaces leucine 1049 with phenylalanine.
Molecular consequence: missense variant.
Genome position (GRCh38, 1-based): chr8:1,933,865, C>T. VCF-style: chr8-1933865-C-T. GRCh37 (hg19) VCF-style: chr8-1882031-C-T.
Other names: c.3031C>T, p.Leu1011Phe (NM_001308152.2); c.3145C>T, p.Leu1049Phe (NM_001308153.3); short protein forms L1073F, L1049F, L1011F.
Identifiers: ClinVar variation 2768002 (VCV002768002.3), dbSNP rs2538045018, ClinGen allele CA369970591.